The following is an entry in ClinVar:

NM_001037333.3(CYFIP2):c.3406G>A (p.Val1136Met)

Genes: CYFIP2 (cytoplasmic FMR1 interacting protein 2; plus strand), NIPAL4-DT (NIPAL4 divergent transcript; minus strand). Cytogenetic location: 5q33.3.
Variant type: single nucleotide variant.
Coding change: c.3406G>A on transcript NM_001037333.3 (MANE Select); coding-DNA position 3406, G replaced by A.
Protein change: p.Val1136Met; replaces valine 1136 with methionine.
Molecular consequence: missense variant.
Genome position (GRCh38, 1-based): chr5:157,389,387, G>A. VCF-style: chr5-157389387-G-A. GRCh37 (hg19) VCF-style: chr5-156816395-G-A.
Other names: c.3328G>A, p.Val1110Met (NM_001291721.2); c.3481G>A, p.Val1161Met (NM_001291722.2); c.3406G>A, p.Val1136Met (NM_014376.4); short protein forms V1161M, V1110M, V1136M.
Identifiers: ClinVar variation 2187098 (VCV002187098.4), dbSNP rs1345675109, ClinGen allele CA361982319.

ClinVar aggregate classification (germline): Uncertain significance (1 of 4 stars; one submission).

Allele frequency attached by ClinVar (database versions not stated): gnomAD exomes below 0.00001; TOPMed below 0.00001.
gnomAD v4.1: 6 of 1,610,778 alleles (0.00037%); highest among the groups gnomAD compares: Non-Finnish European, 0.00042%; no homozygotes.

Submission:

Labcorp Genetics (formerly Invitae), Labcorp
Classification: Uncertain significance. Last evaluated: 2023-04-07. Review status: criteria provided, single submitter. Criteria: Invitae Variant Classification Sherloc (09022015). Collection method: clinical testing. Allele origin: germline.
Comment: This sequence change replaces valine, which is neutral and non-polar, with methionine, which is neutral and non-polar, at codon 1136 of the CYFIP2 protein (p.Val1136Met). The frequency data for this variant in the population databases is considered unreliable, as metrics indicate poor data quality at this position in the gnomAD database. This variant has not been reported in the literature in individuals affected with CYFIP2-related conditions. ClinVar contains an entry for this variant (Variation ID: 2187098). Experimental studies and prediction algorithms are not available or were not evaluated, and the functional significance of this variant is currently unknown. In summary, the available evidence is currently insufficient to determine the role of this variant in disease. Therefore, it has been classified as a Variant of Uncertain Significance.